The following is an entry in ClinVar:

ClinVar aggregate classification (germline): Uncertain significance (1 of 4 stars; one submission).

Conditions:
Cryopyrin associated periodic syndrome (CAPS). Identifiers: Orphanet 208650, MedGen C2316212, MONDO:0016168.

Submission:

Labcorp Genetics (formerly Invitae), Labcorp
Classification: Uncertain significance for Cryopyrin associated periodic syndrome. Last evaluated: 2023-08-04. Review status: criteria provided, single submitter. Criteria: Invitae Variant Classification Sherloc (09022015). Collection method: clinical testing. Allele origin: germline.
Comment: In summary, the available evidence is currently insufficient to determine the role of this variant in disease. Therefore, it has been classified as a Variant of Uncertain Significance. This variant has not been reported in the literature in individuals affected with NLRP3-related conditions. This variant results in a copy number gain of the genomic region encompassing exon(s) 6-9 of the NLRP3 gene. This region includes the termination codon of the gene. This copy number gain extends beyond the assayed region for this gene and therefore may encompass additional genes. As the precise location of this event is unknown, it may be in tandem or it may be located elsewhere in the genome.

NC_000001.10:g.(?_247599252)_(248059833_?)dup

Genes: OR1C1 (olfactory receptor family 1 subfamily C member 1; minus strand), OR6F1 (olfactory receptor family 6 subfamily F member 1; minus strand), TRIM58 (tripartite motif containing 58; plus strand), OR2G2 (olfactory receptor family 2 subfamily G member 2; plus strand), OR2G3 (olfactory receptor family 2 subfamily G member 3; plus strand) and 8 more. Cytogenetic location: 1q44.
Variant type: Duplication.
Identifiers: ClinVar variation 1411294 (VCV001411294.5).